The following is an entry in ClinVar:

ClinVar aggregate classification (germline): Uncertain significance (1 of 4 stars; one submission).

Submission:

Labcorp Genetics (formerly Invitae), Labcorp
Classification: Uncertain significance. Last evaluated: 2022-08-20. Review status: criteria provided, single submitter. Criteria: Invitae Variant Classification Sherloc (09022015). Collection method: clinical testing. Allele origin: germline.
Comment: This sequence change replaces aspartic acid, which is acidic and polar, with tyrosine, which is neutral and polar, at codon 250 of the ACAD9 protein (p.Asp250Tyr). This variant is not present in population databases (gnomAD no frequency). This variant has not been reported in the literature in individuals affected with ACAD9-related conditions. Advanced modeling of protein sequence and biophysical properties (such as structural, functional, and spatial information, amino acid conservation, physicochemical variation, residue mobility, and thermodynamic stability) performed at Invitae indicates that this missense variant is expected to disrupt ACAD9 protein function. In summary, the available evidence is currently insufficient to determine the role of this variant in disease. Therefore, it has been classified as a Variant of Uncertain Significance.

NM_014049.5(ACAD9):c.748G>T (p.Asp250Tyr)

Gene: ACAD9 (acyl-CoA dehydrogenase family member 9; plus strand). Cytogenetic location: 3q21.3.
Variant type: single nucleotide variant.
Coding change: c.748G>T on transcript NM_014049.5 (MANE Select); coding-DNA position 748, G replaced by T.
Protein change: p.Asp250Tyr; replaces aspartic acid 250 with tyrosine.
Molecular consequence: missense variant. On other transcripts: non-coding transcript variant (1).
Genome position (GRCh38, 1-based): chr3:128,899,401, G>T. VCF-style: chr3-128899401-G-T. GRCh37 (hg19) VCF-style: chr3-128618244-G-T.
Other names: c.379G>T, p.Asp127Tyr (NM_001410805.1); short protein forms D127Y, D250Y.
Identifiers: ClinVar variation 1985428 (VCV001985428.1), dbSNP rs2529262100, ClinGen allele CA354434633.